The following is an entry in ClinVar:

ClinVar aggregate classification (germline): Uncertain significance (1 of 4 stars; one submission).

Submission:

Labcorp Genetics (formerly Invitae), Labcorp
Classification: Uncertain significance. Last evaluated: 2025-10-21. Review status: criteria provided, single submitter. Criteria: Invitae Variant Classification Sherloc (09022015). Collection method: clinical testing. Allele origin: germline.
Comment: This sequence change creates a premature translational stop signal (p.Gln84Profs*18) in the ANGPT1 gene. It is expected to result in an absent or disrupted protein product. However, the current clinical and genetic evidence is not sufficient to establish whether loss-of-function variants in ANGPT1 cause disease. This variant is not present in population databases (gnomAD no frequency). This variant has not been reported in the literature in individuals affected with ANGPT1-related conditions. In summary, the available evidence is currently insufficient to determine the role of this variant in disease. Therefore, it has been classified as a Variant of Uncertain Significance.

NM_001146.5(ANGPT1):c.250dup (p.Gln84fs)

Gene: ANGPT1 (angiopoietin 1; minus strand). Cytogenetic location: 8q23.1.
Variant type: Duplication.
Coding change: c.250dup on transcript NM_001146.5 (MANE Select); coding-DNA position 250, one base duplicated (C; older notation c.250dupC).
Protein change: p.Gln84fs; shifts the reading frame from glutamine 84.
Molecular consequence: frameshift variant.
Genome position (GRCh38, 1-based): chr8:107,497,309, G duplicated on the plus strand (C on the coding strand, the reverse complement: ANGPT1 is on the minus strand). VCF-style (leftmost placement, unchanged base first): chr8-107497308-T-TG. GRCh37 (hg19) VCF-style: chr8-108509536-T-TG.
Other names: c.250dup, p.Gln84fs (NM_001199859.3); short protein forms Q84fs.
Identifiers: ClinVar variation 4723908 (VCV004723908.1).
Genomic context (GRCh38, chr8:107,497,308, plus strand): 5'-AAGCAATCACTTACTTTTTGCAGCCACTGAGTATAATTTTCCATCACATGTTCCAGATGT[T>TG]GAAGTTTCTGGGAAGAGAAATCCGGTTCCACGTGTGGAGCATCTCTCTGCAGAGCGTTTG-3'